The following is an entry in ClinVar:

NM_001429.4(EP300):c.33T>A (p.Pro11=)

Gene: EP300 (EP300 lysine acetyltransferase; plus strand). Cytogenetic location: 22q13.2.
Variant type: single nucleotide variant.
Coding change: c.33T>A on transcript NM_001429.4 (MANE Select); coding-DNA position 33, T replaced by A.
Protein change: p.Pro11=; no amino-acid change (proline 11 retained).
Molecular consequence: synonymous variant.
Genome position (GRCh38, 1-based): chr22:41,093,037, T>A. VCF-style: chr22-41093037-T-A. GRCh37 (hg19) VCF-style: chr22-41489041-T-A.
Other names: c.33T>A, p.Pro11= (NM_001362843.2); c.33T>A (NM_001429.3).
Identifiers: ClinVar variation 2071403 (VCV002071403.5), dbSNP rs750974943, ClinGen allele CA10252143.

ClinVar aggregate classification (germline): Benign. Review status: criteria provided, single submitter (1 of 4 stars). 2 submissions from 2 submitters: Benign (1). 1 of the submissions does not count toward it. Last evaluated 2025-06-12.

Conditions:
Rubinstein-Taybi syndrome due to EP300 haploinsufficiency. Also called: EP300-Related Rubinstein-Taybi Syndrome; RUBINSTEIN-TAYBI SYNDROME 2. Identifiers: Orphanet 353284, Orphanet 783, MedGen C3150941, MONDO:0013364, OMIM 613684.
EP300-related disorder. Also called: EP300-related disorders; EP300-related condition.

Allele frequency attached by ClinVar (database versions not stated): gnomAD exomes 0.00001; TOPMed 0.00001; ExAC 0.00002.
gnomAD v4.1: 4 of 1,614,146 alleles (0.00025%); highest among the groups gnomAD compares: Admixed American, 0.0067%; no homozygotes.

Submissions (2):

Labcorp Genetics (formerly Invitae), Labcorp
Classification: Benign for Rubinstein-Taybi syndrome due to EP300 haploinsufficiency. Last evaluated: 2025-06-12. Review status: criteria provided, single submitter. Criteria: Invitae Variant Classification Sherloc (09022015). Collection method: clinical testing. Allele origin: germline.

PreventionGenetics, part of Exact Sciences
Classification: Likely benign for EP300-related condition. Last evaluated: 2022-07-28. Review status: no assertion criteria provided. Collection method: clinical testing. Allele origin: germline. Not counted in ClinVar's aggregate classification.
Comment: This variant is classified as likely benign based on ACMG/AMP sequence variant interpretation guidelines (Richards et al. 2015 PMID: 25741868, with internal and published modifications).